The following is an entry in ClinVar:

NM_001374828.1(ARID1B):c.4637A>G (p.Tyr1546Cys)

Gene: ARID1B (AT-rich interaction domain 1B; plus strand). Cytogenetic location: 6q25.3.
Variant type: single nucleotide variant.
Coding change: c.4637A>G on transcript NM_001374828.1 (MANE Select); coding-DNA position 4637, A replaced by G.
Protein change: p.Tyr1546Cys; replaces tyrosine 1546 with cysteine.
Molecular consequence: missense variant.
Genome position (GRCh38, 1-based): chr6:157,200,862, A>G. VCF-style: chr6-157200862-A-G. GRCh37 (hg19) VCF-style: chr6-157521996-A-G.
Other names: c.4478A>G, p.Tyr1493Cys (NM_017519.3); c.4268A>G (NM_020732.3); c.2138A>G, p.Tyr713Cys (NM_001363725.2); c.4517A>G, p.Tyr1506Cys (NM_001371656.1, NM_001374820.1); short protein forms Y1493C, Y1506C, Y1546C, Y713C.
Identifiers: ClinVar variation 1033957 (VCV001033957.1), dbSNP rs1794051416, ClinGen allele CA366241099.

ClinVar aggregate classification (germline): Uncertain significance (1 of 4 stars; one submission).

Conditions:
Coffin-Siris syndrome 1 (CSS1). Also called: ARID1B-Related Coffin-Siris Syndrome; Mental retardation, autosomal dominant 12. Identifiers: Orphanet 1465, MedGen C3281201, MONDO:0007617, OMIM 135900. Disease mechanism: gain of function.

Submission:

Baylor Genetics
Classification: Uncertain significance for Coffin-Siris syndrome 1. Last evaluated: 2018-07-19. Review status: criteria provided, single submitter. Criteria: ACMG Guidelines, 2015. Collection method: clinical testing. Allele origin: unknown. Affected: yes.
Comment: This variant was determined to be of uncertain significance according to ACMG Guidelines, 2015 [PMID:25741868].